The following is an entry in ClinVar:

ClinVar aggregate classification (germline): Uncertain significance (1 of 4 stars; one submission).

Conditions:
Hypertrophic cardiomyopathy. Also called: HYPERTROPHIC MYOCARDIOPATHY. Identifiers: Orphanet 217569, MedGen C0007194, MeSH D002312, MONDO:0005045, HP:0001639.

Submission:

Labcorp Genetics (formerly Invitae), Labcorp
Classification: Uncertain significance for Hypertrophic cardiomyopathy. Last evaluated: 2025-10-07. Review status: criteria provided, single submitter. Criteria: Invitae Variant Classification Sherloc (09022015). Collection method: clinical testing. Allele origin: germline.
Comment: This sequence change replaces threonine, which is neutral and polar, with isoleucine, which is neutral and non-polar, at codon 143 of the TNNI3 protein (p.Thr143Ile). This variant is not present in population databases (gnomAD no frequency). This variant has not been reported in the literature in individuals affected with TNNI3-related conditions. ClinVar contains an entry for this variant (Variation ID: 2794495). An algorithm developed to predict the effect of missense changes on protein structure and function (PolyPhen-2) suggests that this variant is likely to be tolerated. In summary, the available evidence is currently insufficient to determine the role of this variant in disease. Therefore, it has been classified as a Variant of Uncertain Significance.

NM_000363.5(TNNI3):c.428C>T (p.Thr143Ile)

Gene: TNNI3 (troponin I3, cardiac type; minus strand). Cytogenetic location: 19q13.42.
Variant type: single nucleotide variant.
Coding change: c.428C>T on transcript NM_000363.5 (MANE Select); coding-DNA position 428, C replaced by T.
Protein change: p.Thr143Ile; replaces threonine 143 with isoleucine.
Molecular consequence: missense variant.
Genome position (GRCh38, 1-based): chr19:55,154,151, G>A on the plus strand (C>T on the coding strand, the complement: TNNI3 is on the minus strand). VCF-style: chr19-55154151-G-A. GRCh37 (hg19) VCF-style: chr19-55665519-G-A.
Other names: short protein forms T143I.
Identifiers: ClinVar variation 2794495 (VCV002794495.3), dbSNP rs397516348, ClinGen allele CA407440555.
Genomic context (GRCh38, chr19:55,154,151, plus strand): 5'-GCCCGGGCCCCCAGCAGCGCCTGCATCATGGCATCTGCAGAGATCCTCACTCTCCGCAGG[G>A]TGGGCCGCTTAAACTTGCCTCGAAGGTCAAAGATCTTCTGAGTCAGATCTGCAATCTGGG-3'
Protein context (NP_000354.4, residues 133-153): FDLRGKFKRP[Thr143Ile]LRRVRISADA